The following is an entry in ClinVar:

ClinVar aggregate classification (germline): Uncertain significance. Review status: criteria provided, multiple submitters, no conflicts (2 of 4 stars). 3 submissions from 3 submitters: Uncertain significance (3). Last evaluated 2024-04-17.

Conditions:
Cardiovascular phenotype. Identifiers: MedGen CN230736.

Submissions (3):

Ambry Genetics
Classification: Uncertain significance for Cardiovascular phenotype. Last evaluated: 2024-04-17. Review status: criteria provided, single submitter. Criteria: Ambry Variant Classification Scheme 2023. Collection method: clinical testing. Allele origin: germline.
Comment: The c.53810_53833del24 variant (also known as p.G17937_I17944del) is located in coding exon 153 of the TTN gene. This variant results from an in-frame GCTGCCAAATAAGCAACTACATTG deletion at nucleotide positions 53810 to 53833. This results in the in-frame deletion of 8 residues (GCQISNYI) at codons 17937 to 17944. This amino acid region is well conserved in available vertebrate species. In addition, this alteration is predicted to be deleterious by in silico analysis (Choi Y et al. PLoS ONE. 2012; 7(10):e46688). Based on the available evidence, the clinical significance of this variant remains unclear.

Laboratory for Molecular Medicine, Mass General Brigham Personalized Medicine
Classification: Uncertain significance. Last evaluated: 2020-04-20. Review status: criteria provided, single submitter. Criteria: LMM Criteria. Collection method: clinical testing. Allele origin: germline. Observed: 3 variant alleles.
Comment: The p.Gly24434_Ile24441del variant in TTN has been identified by our laboratory in 1 individual with DCM, 1 child referred for cardiomyopathy genetic testing with no clinical information provided, and segregated with disease in 1 affected relative. This variant has also been reported by other clinical laboratories in ClinVar (Variation ID: 179275) and was absent from large population studies. This variant is a deletion of 8 amino acids beginning at position 24434 and is not predicted to alter the protein reading-frame. It is unclear if this deletion will impact the protein. In summary, the clinical significance of the p.Gly24434_Ile24441del variant is uncertain. ACMG/AMP Criteria applied: PM2, PM4.

GeneDx
Classification: Uncertain significance. Last evaluated: 2018-04-21. Review status: criteria provided, single submitter. Criteria: GeneDx Variant Classification (06012015). Collection method: clinical testing. Allele origin: germline. Affected: yes.
Comment: A variant of uncertain significance has been identified in the TTN gene. The c.76082_76105del24 variant has not been published as pathogenic or been reported as benign to our knowledge. The c.76082_76105del24 variant is not observed in large population cohorts (Lek et al., 2016). The c.76082_76105del24 variant results in an in-frame deletion of eight amino acids, denoted p.Gly25361_Ile25368del. However, in the absence of functional studies, the physiological consequence of this variant cannot be precisely determined.

NM_003319.4(TTN):c.53810_53833del (p.Gly17937_Ile17944del)

Genes: TTN (titin; minus strand), TTN-AS1 (TTN antisense RNA 1; plus strand). Cytogenetic location: 2q31.2.
Variant type: Deletion.
Coding change: c.53810_53833del on transcript NM_003319.4; coding-DNA positions 53810 to 53833, 24 bases deleted (GCTGCCAAATAAGCAACTACATTG).
Protein change: p.Gly17937_Ile17944del.
Molecular consequence: inframe deletion (on NM_001256850.1).
Genome position (GRCh38, 1-based): chr2:178,565,104-178,565,127, CAATGTAGTTGCTTATTTGGCAGC deleted on the plus strand (GCTGCCAAATAAGCAACTACATTG on the coding strand, the reverse complement: TTN is on the minus strand); deleting any 24 consecutive bases within chr2:178,565,104-178,565,129 gives the same sequence; the c. name uses the placement nearest the transcript's 3' end. VCF-style (leftmost placement, unchanged base first): chr2-178565103-ACAATGTAGTTGCTTATTTGGCAGC-A. GRCh37 (hg19) VCF-style: chr2-179429830-ACAATGTAGTTGCTTATTTGGCAGC-A.
Other names: c.76082_76105delGCTGCCAAATAAGCAACTACATTG (NM_001256850.1); c.73301_73324del, p.Gly24434_Ile24441del (NM_133378.4); c.76082_76105del, p.Gly25361_Ile25368del (NM_001256850.1); c.81005_81028del, p.Gly27002_Ile27009del (NM_001267550.2); c.54185_54208del, p.Gly18062_Ile18069del (NM_133432.3); c.54386_54409del, p.Gly18129_Ile18136del (NM_133437.4); c.76082_76105del24 (NM_001256850.1); c.53810_53833del24 (NM_003319.4).
Identifiers: ClinVar variation 179275 (VCV000179275.8), dbSNP rs727504756, ClinGen allele CA184096.